The following is an entry in ClinVar:

NM_000271.5(NPC1):c.2712del (p.Gln905fs)

Gene: NPC1 (NPC intracellular cholesterol transporter 1; minus strand). Cytogenetic location: 18q11.2.
Variant type: Deletion.
Coding change: c.2712del on transcript NM_000271.5 (MANE Select); coding-DNA position 2712, one base deleted (G; older notation c.2712delG).
Protein change: p.Gln905fs; shifts the reading frame from glutamine 905.
Molecular consequence: frameshift variant.
Genome position (GRCh38, 1-based): chr18:23,539,894, C deleted on the plus strand (G on the coding strand, the reverse complement: NPC1 is on the minus strand); the first of 4 consecutive C bases (chr18:23,539,894-23,539,897); deleting any one gives the same sequence. VCF-style (leftmost placement, unchanged base first): chr18-23539893-GC-G. GRCh37 (hg19) VCF-style: chr18-21119857-GC-G.
Other names: c.2712del (NM_000271.4); c.2712delG (NM_000271.4); short protein forms Q905fs.
Identifiers: ClinVar variation 557930 (VCV000557930.3), dbSNP rs1555633309, ClinGen allele CA658824816.

ClinVar aggregate classification (germline): Likely pathogenic. Review status: criteria provided, single submitter (1 of 4 stars). 2 submissions from 2 submitters: Likely pathogenic (1). 1 of the submissions does not count toward it. Last evaluated 2023-02-08.

Conditions:
Niemann-Pick disease, type C1. Also called: NIEMANN-PICK DISEASE, VARIANT TYPE C1; NEUROVISCERAL STORAGE DISEASE WITH VERTICAL SUPRANUCLEAR OPHTHALMOPLEGIA; NIEMANN-PICK DISEASE WITH CHOLESTEROL ESTERIFICATION BLOCK; NIEMANN-PICK DISEASE WITHOUT SPHINGOMYELINASE DEFICIENCY; NIEMANN-PICK DISEASE, CHRONIC NEURONOPATHIC FORM. Identifiers: Orphanet 646, MedGen C3179455, MONDO:0009757, OMIM 257220.

Submissions (2):

GeneDx
Classification: Likely pathogenic. Last evaluated: 2023-02-08. Review status: criteria provided, single submitter. Criteria: GeneDx Variant Classification Process June 2021. Collection method: clinical testing. Allele origin: germline. Affected: yes.
Comment: Reported along with a second variant in the NPC1 gene in a patient with NPC1-related Niemann-Pick disease in the published literature (Jahnova et al., 2014); Frameshift variant predicted to result in protein truncation or nonsense mediated decay in a gene for which loss of function is a known mechanism of disease; Not observed at significant frequency in large population cohorts (gnomAD); This variant is associated with the following publications: (PMID: 25236789)

Counsyl
Classification: Likely pathogenic for Niemann-Pick disease, type C1. Last evaluated: 2018-04-17. Review status: no assertion criteria provided. Collection method: clinical testing. Allele origin: unknown. Not counted in ClinVar's aggregate classification.

Literature cited by the submitters: PubMed 25236789 (cited by Counsyl).